The following is an entry in ClinVar:

NM_001303256.3(MORC2):c.1425G>C (p.Trp475Cys)

Gene: MORC2 (MORC family CW-type zinc finger 2; minus strand). Cytogenetic location: 22q12.2.
Variant type: single nucleotide variant.
Coding change: c.1425G>C on transcript NM_001303256.3 (MANE Select); coding-DNA position 1425, G replaced by C.
Protein change: p.Trp475Cys; replaces tryptophan 475 with cysteine.
Molecular consequence: missense variant.
Genome position (GRCh38, 1-based): chr22:30,937,656, C>G on the plus strand (G>C on the coding strand, the complement: MORC2 is on the minus strand). VCF-style: chr22-30937656-C-G. GRCh37 (hg19) VCF-style: chr22-31333643-C-G.
Other names: c.1425G>C, p.Trp475Cys (NM_001303257.2); c.1239G>C, p.Trp413Cys (NM_014941.3); short protein forms W413C, W475C.
Identifiers: ClinVar variation 4855211 (VCV004855211.1).

ClinVar aggregate classification (germline): Uncertain significance (1 of 4 stars; one submission).

Conditions:
Developmental delay, impaired growth, dysmorphic facies, and axonal neuropathy. Identifiers: MedGen C5436781, MONDO:0030835, OMIM 619090.

Submission:

3billion
Classification: Uncertain significance for Developmental delay, impaired growth, dysmorphic facies, and axonal neuropathy. Last evaluated: 2025-11-11. Review status: criteria provided, single submitter. Criteria: ACMG Guidelines, 2015. Collection method: clinical testing. Allele origin: germline. Affected: yes.
Comment: The variant is not observed in the gnomAD v4.1.0 dataset. Predicted Consequence/Location: Missense variant. Missense changes are a common disease-causing mechanism. Therefore, this variant is classified as VUS according to the recommendation of ACMG/AMP guideline.